The following is an entry in ClinVar:

NM_015909.4(NBAS):c.5656C>A (p.Arg1886Ser)

Gene: NBAS (NBAS subunit of NRZ tethering complex; minus strand). Cytogenetic location: 2p24.3.
Variant type: single nucleotide variant.
Coding change: c.5656C>A on transcript NM_015909.4 (MANE Select); coding-DNA position 5656, C replaced by A.
Protein change: p.Arg1886Ser; replaces arginine 1886 with serine.
Molecular consequence: missense variant. On other transcripts: non-coding transcript variant (1).
Genome position (GRCh38, 1-based): chr2:15,275,552, G>T on the plus strand (C>A on the coding strand, the complement: NBAS is on the minus strand). VCF-style: chr2-15275552-G-T. GRCh37 (hg19) VCF-style: chr2-15415676-G-T.
Other names: short protein forms R1886S.
Identifiers: ClinVar variation 1719019 (VCV001719019.5), dbSNP rs769915990, ClinGen allele CA345882233.
Genomic context (GRCh38, chr2:15,275,552, plus strand): 5'-CAGCTTTTGGAGAAAATGTAACTGCATCTACCACAGTGATGAGGTCACCTGGGTGGAGAC[G>T]ATCAAAGTACTTCATGCAGACATCATAGGCATGAAGCCACTCCGGTGAAGAGCCTGGGAC-3'
Protein context (NP_056993.2, residues 1876-1896): AYDVCMKYFD[Arg1886Ser]LHPGDLITVV

ClinVar aggregate classification (germline): Uncertain significance (1 of 4 stars; one submission).

gnomAD v4.1: 2 of 1,613,968 alleles (0.00012%); highest among the groups gnomAD compares: Admixed American, 0.0017%; no homozygotes.

Submission:

Labcorp Genetics (formerly Invitae), Labcorp
Classification: Uncertain significance. Last evaluated: 2022-07-19. Review status: criteria provided, single submitter. Criteria: Invitae Variant Classification Sherloc (09022015). Collection method: clinical testing. Allele origin: germline.
Comment: In summary, the available evidence is currently insufficient to determine the role of this variant in disease. Therefore, it has been classified as a Variant of Uncertain Significance. Algorithms developed to predict the effect of missense changes on protein structure and function (SIFT, PolyPhen-2, Align-GVGD) all suggest that this variant is likely to be disruptive. This variant has not been reported in the literature in individuals affected with NBAS-related conditions. This variant is not present in population databases (gnomAD no frequency). This sequence change replaces arginine, which is basic and polar, with serine, which is neutral and polar, at codon 1886 of the NBAS protein (p.Arg1886Ser).